The following is an entry in ClinVar:

NM_001184.4(ATR):c.6182A>G (p.Gln2061Arg)

Genes: ATR (ATR checkpoint kinase; minus strand), LOC126806830 (BRD4-independent group 4 enhancer GRCh37_chr3:142203676-142204875; plus strand). Cytogenetic location: 3q23.
Variant type: single nucleotide variant.
Coding change: c.6182A>G on transcript NM_001184.4 (MANE Select); coding-DNA position 6182, A replaced by G.
Protein change: p.Gln2061Arg; replaces glutamine 2061 with arginine.
Molecular consequence: missense variant.
Genome position (GRCh38, 1-based): chr3:142,485,179, T>C on the plus strand (A>G on the coding strand, the complement: ATR is on the minus strand). VCF-style: chr3-142485179-T-C. GRCh37 (hg19) VCF-style: chr3-142204021-T-C.
Other names: c.5990A>G, p.Gln1997Arg (NM_001354579.2); short protein forms Q1997R, Q2061R.
Identifiers: ClinVar variation 2113860 (VCV002113860.3), dbSNP rs2473119316, ClinGen allele CA354809483.
Genomic context (GRCh38, chr3:142,485,179, plus strand): 5'-ACATGCAGTTCTCATACTCACCTGCCAAAATGAAGAACTATATACCGGATGAGATCACCT[T>C]GCTTTTCCATTTTGTTGTCTGTGACCATGGGCATCAATTTGTCATAGTACTTGGCAAGGT-3'
Protein context (NP_001175.2, residues 2051-2071): PMVTDNKMEK[Gln2061Arg]GDLIRYIVLH

ClinVar aggregate classification (germline): Uncertain significance (1 of 4 stars; one submission).

Submission:

Labcorp Genetics (formerly Invitae), Labcorp
Classification: Uncertain significance. Last evaluated: 2022-03-18. Review status: criteria provided, single submitter. Criteria: Invitae Variant Classification Sherloc (09022015). Collection method: clinical testing. Allele origin: germline.
Comment: In summary, the available evidence is currently insufficient to determine the role of this variant in disease. Therefore, it has been classified as a Variant of Uncertain Significance. Algorithms developed to predict the effect of missense changes on protein structure and function are either unavailable or do not agree on the potential impact of this missense change (SIFT: "Tolerated"; PolyPhen-2: "Probably Damaging"; Align-GVGD: "Class C0"). This variant has not been reported in the literature in individuals affected with ATR-related conditions. This variant is not present in population databases (gnomAD no frequency). This sequence change replaces glutamine, which is neutral and polar, with arginine, which is basic and polar, at codon 2061 of the ATR protein (p.Gln2061Arg).